The following is an entry in ClinVar:

ClinVar aggregate classification (germline): Uncertain significance. Review status: criteria provided, multiple submitters, no conflicts (2 of 4 stars). 2 submissions from 2 submitters: Uncertain significance (2). Last evaluated 2026-04-15.

Conditions:
Menke-Hennekam syndrome 1 (MKHK1). Identifiers: MedGen C5193034, MONDO:0020763, OMIM 618332.
Rubinstein-Taybi syndrome due to CREBBP mutations (RSTS1). Also called: RUBINSTEIN-TAYBI SYNDROME 1, INCOMPLETE; BROAD THUMB-HALLUX SYNDROME; RUBINSTEIN SYNDROME; BROAD THUMBS AND GREAT TOES, CHARACTERISTIC FACIES, AND IMPAIRED INTELLECTUAL DEVELOPMENT; Rubinstein-Taybi syndrome 1; CREBBP-Related Rubinstein-Taybi Syndrome. Identifiers: Orphanet 353277, Orphanet 783, MedGen C4551859, MONDO:0008393, OMIM 180849.
CREBBP-related disorder. Also called: CREBBP-related disorders; CREBBP-related condition.

Submissions (2):

PreventionGenetics, part of Exact Sciences
Classification: Uncertain significance for CREBBP-related condition. Last evaluated: 2026-04-15. Review status: criteria provided, single submitter. Criteria: ACMG Guidelines, 2015. Collection method: clinical testing. Allele origin: germline.
Comment: The CREBBP c.3064_3066delATG variant is predicted to result in an in-frame deletion (p.Met1022del). To our knowledge, this variant has not been reported in the literature or in a large population database (gnomAD), indicating this variant is rare. At this time, the clinical significance of this variant is uncertain due to the absence of conclusive functional and genetic evidence.

Fulgent Genetics
Classification: Uncertain significance for Rubinstein-Taybi syndrome due to CREBBP mutations; Menke-Hennekam syndrome 1. Last evaluated: 2024-01-15. Review status: criteria provided, single submitter. Criteria: ACMG Guidelines, 2015. Collection method: clinical testing. Allele origin: germline.

NM_004380.3(CREBBP):c.3064_3066del

Gene: CREBBP (CREB binding lysine acetyltransferase; minus strand). Cytogenetic location: 16p13.3.
Variant type: Microsatellite.
Coding change: c.3064_3066del on transcript NM_004380.3 (MANE Select); coding-DNA positions 3064 to 3066, 3 bases deleted (ATG; older notation c.3064_3066delATG).
Genome position (GRCh38, 1-based): chr16:3,767,904-3,767,906, CAT deleted on the plus strand (ATG on the coding strand, the reverse complement: CREBBP is on the minus strand); deleting any 3 consecutive bases within chr16:3,767,904-3,767,910 gives the same sequence; the c. name uses the placement nearest the transcript's 3' end. VCF-style (leftmost placement, unchanged base first): chr16-3767903-CCAT-C. GRCh37 (hg19) VCF-style: chr16-3817904-CCAT-C.
Other names: c.3064_3066delATG (NM_004380.2).
Identifiers: ClinVar variation 3580628 (VCV003580628.2).